The following is an entry in ClinVar:

ClinVar aggregate classification (germline): Uncertain significance (1 of 4 stars; one submission).

Allele frequency attached by ClinVar (database versions not stated): gnomAD 0.00001.

Submission:

Labcorp Genetics (formerly Invitae), Labcorp
Classification: Uncertain significance. Last evaluated: 2022-05-20. Review status: criteria provided, single submitter. Criteria: Invitae Variant Classification Sherloc (09022015). Collection method: clinical testing. Allele origin: germline.
Comment: This variant is not present in population databases (gnomAD no frequency). This sequence change replaces proline, which is neutral and non-polar, with alanine, which is neutral and non-polar, at codon 346 of the SLC25A3 protein (p.Pro346Ala). This variant has not been reported in the literature in individuals affected with SLC25A3-related conditions. Algorithms developed to predict the effect of missense changes on protein structure and function are either unavailable or do not agree on the potential impact of this missense change (SIFT: "Deleterious"; PolyPhen-2: "Probably Damaging"; Align-GVGD: "Class C0"). In summary, the available evidence is currently insufficient to determine the role of this variant in disease. Therefore, it has been classified as a Variant of Uncertain Significance.

NM_002635.4(SLC25A3):c.1033C>G (p.Pro345Ala)

Gene: SLC25A3 (solute carrier family 25 member 3; plus strand). Cytogenetic location: 12q23.1.
Variant type: single nucleotide variant.
Coding change: c.1033C>G on transcript NM_002635.4 (MANE Select); coding-DNA position 1033, C replaced by G.
Protein change: p.Pro345Ala; replaces proline 345 with alanine.
Molecular consequence: missense variant.
Genome position (GRCh38, 1-based): chr12:98,601,475, C>G. VCF-style: chr12-98601475-C-G. GRCh37 (hg19) VCF-style: chr12-98995253-C-G.
Other names: c.1036C>G, p.Pro346Ala (NM_005888.4); c.1033C>G, p.Pro345Ala (NM_213611.3); short protein forms P345A, P346A.
Identifiers: ClinVar variation 2191399 (VCV002191399.4), dbSNP rs1205733951, ClinGen allele CA386170035.